The following is an entry in ClinVar:

NM_002047.4(GARS1):c.332C>T (p.Ala111Val)

Gene: GARS1 (glycyl-tRNA synthetase 1; plus strand). Cytogenetic location: 7p14.3.
Variant type: single nucleotide variant.
Coding change: c.332C>T on transcript NM_002047.4 (MANE Select); coding-DNA position 332, C replaced by T.
Protein change: p.Ala111Val; replaces alanine 111 with valine.
Molecular consequence: missense variant.
Genome position (GRCh38, 1-based): chr7:30,599,954, C>T. VCF-style: chr7-30599954-C-T. GRCh37 (hg19) VCF-style: chr7-30639570-C-T.
Other names: c.170C>T, p.Ala57Val (NM_001316772.1); short protein forms A111V, A57V.
Identifiers: ClinVar variation 637059 (VCV000637059.10), dbSNP rs370531212, ClinGen allele CA156099438.

ClinVar aggregate classification (germline): Uncertain significance. Review status: criteria provided, single submitter (1 of 4 stars). 5 submissions from 4 submitters: Uncertain significance (1). 4 of the submissions do not count toward it. Last evaluated 2023-07-03.

Conditions:
Charcot-Marie-Tooth disease type 2. Also called: Charcot-Marie-Tooth type 2. Identifiers: Orphanet 64746, MedGen C0270914, MONDO:0018993.
Neuronopathy, distal hereditary motor, type 5. Also called: HMN 5A; NEUROPATHY, DISTAL HEREDITARY MOTOR, HARDING TYPE VA; SPINAL MUSCULAR ATROPHY, DISTAL, HARDING TYPE VA; SPINAL MUSCULAR ATROPHY, DISTAL, HARDING TYPE V; NEURONOPATHY, DISTAL HEREDITARY MOTOR, HARDING TYPE VA; NEURONOPATHY, DISTAL HEREDITARY MOTOR, HARDING TYPE V. Identifiers: Orphanet 139536, MedGen C1833308, MONDO:0100350.
Charcot-Marie-Tooth disease type 2D (CMT2D). Also called: Charcot-Marie-Tooth Neuropathy Type 2D; GARS1 Adolescent- or Early Adult-Onset Hereditary Motor/Sensory Neuropathy (GARS1-HMSN); CHARCOT-MARIE-TOOTH DISEASE, AXONAL, TYPE 2D; CHARCOT-MARIE-TOOTH DISEASE, NEURONAL, TYPE 2D. Identifiers: Orphanet 99938, MedGen C1832274, MONDO:0011091, OMIM 601472.
Distal spinal muscular atrophy. Also called: Distal hereditary motor neuropathy; Distal hereditary motor neuronopathy. Identifiers: Orphanet 53739, MedGen C0393541, MONDO:0018894.
Charcot-Marie-Tooth disease. Also called: Charcot-Marie-Tooth Neuropathy; Charcot-Marie-Tooth Hereditary Neuropathy. Identifiers: Orphanet 166, MedGen C0007959, MONDO:0015626.

Allele frequency attached by ClinVar (database versions not stated): gnomAD exomes below 0.00001; gnomAD 0.00001; TOPMed 0.00001; ESP Exome Variant Server 0.00008.
gnomAD v4.1: 7 of 1,610,852 alleles (0.00043%); highest among the groups gnomAD compares: East Asian, 0.0022%; no homozygotes.

Submissions (5):

Labcorp Genetics (formerly Invitae), Labcorp
Classification: Uncertain significance for Charcot-Marie-Tooth disease type 2. Last evaluated: 2023-07-03. Review status: criteria provided, single submitter. Criteria: Invitae Variant Classification Sherloc (09022015). Collection method: clinical testing. Allele origin: germline.
Comment: This sequence change replaces alanine, which is neutral and non-polar, with valine, which is neutral and non-polar, at codon 111 of the GARS protein (p.Ala111Val). This variant is present in population databases (rs370531212, gnomAD 0.06%). This missense change has been observed in individual(s) with distal hereditary motor neuropathy (PMID: 17663003). This variant is also known as c.688C>T (p.Ala57Val). ClinVar contains an entry for this variant (Variation ID: 637059). Advanced modeling of protein sequence and biophysical properties (such as structural, functional, and spatial information, amino acid conservation, physicochemical variation, residue mobility, and thermodynamic stability) performed at Invitae indicates that this missense variant is not expected to disrupt GARS protein function. Experimental studies have shown that this missense change affects GARS function (PMID: 25168514). In summary, the available evidence is currently insufficient to determine the role of this variant in disease. Therefore, it has been classified as a Variant of Uncertain Significance.

Inherited Neuropathy Consortium Ii, University Of Miami
Classification: Uncertain significance for Neuronopathy, distal hereditary motor, type 5. Last evaluated: 2016-01-06. Review status: no assertion criteria provided. Collection method: literature only. Allele origin: germline. Affected: yes. Not counted in ClinVar's aggregate classification.

GeneReviews
No classification provided. Condition: Charcot-Marie-Tooth disease type 2D. Review status: no classification provided. Collection method: literature only. Allele origin: germline. Not counted in ClinVar's aggregate classification.
Comment: GARS1-HMSN (CMT2D). Likely hypomorphic variant [Griffin et al 2014]

Inherited Neuropathy Consortium
Classification: Uncertain significance for Charcot-Marie-Tooth disease. Review status: no assertion criteria provided. Collection method: literature only. Allele origin: germline. Affected: yes. Not counted in ClinVar's aggregate classification.

Inherited Neuropathy Consortium
Classification: Uncertain significance for Distal spinal muscular atrophy. Review status: no assertion criteria provided. Collection method: literature only. Allele origin: germline. Affected: yes. Not counted in ClinVar's aggregate classification.

Literature cited by the submitters: PubMed 17663003 (cited by 3 submitters); PubMed 25168514 (cited by Labcorp Genetics (formerly Invitae), Labcorp and GeneReviews); PubMed 20301420 (cited by GeneReviews).